The following is an entry in ClinVar:

NM_005591.4(MRE11):c.1500+1G>A

Gene: MRE11 (MRE11 double strand break repair nuclease; minus strand). Cytogenetic location: 11q21.
Variant type: single nucleotide variant.
Coding change: c.1500+1G>A on transcript NM_005591.4 (MANE Select); the canonical splice donor site of the intron after coding-DNA position 1500, G replaced by A.
Molecular consequence: splice donor variant.
Genome position (GRCh38, 1-based): chr11:94,459,407, C>T on the plus strand (G>A on the coding strand, the complement: MRE11 is on the minus strand). VCF-style: chr11-94459407-C-T. GRCh37 (hg19) VCF-style: chr11-94192573-C-T.
Other names: c.1500+1G>A (NM_001330347.2, NM_005590.4).
Identifiers: ClinVar variation 2695145 (VCV002695145.3), dbSNP rs1946353272, ClinGen allele CA382371595.
Genomic context (GRCh38, chr11:94,459,407, plus strand): 5'-CAGAGCTACTCTTAAAGACAGACTATTTAAATAGACCTAGACACTCAAATTAGTTACTTA[C>T]CTCCTCATCGATTTTGTCTTCGAGGGCATCAATATGACGTTCTTTAAGAAATCGCTGTGT-3'

ClinVar aggregate classification (germline): Likely pathogenic (1 of 4 stars; one submission).

Conditions:
Ataxia-telangiectasia-like disorder (ATLD). Identifiers: MedGen C1858391, MONDO:0011457.

Allele frequency attached by ClinVar (database versions not stated): gnomAD exomes below 0.00001; TOPMed below 0.00001.
gnomAD v4.1: 1 of 1,613,832 alleles (0.000062%); highest among the groups gnomAD compares: Non-Finnish European, 0.000085%; no homozygotes.

Submission:

Labcorp Genetics (formerly Invitae), Labcorp
Classification: Likely pathogenic for Ataxia-telangiectasia-like disorder. Last evaluated: 2023-11-11. Review status: criteria provided, single submitter. Criteria: Invitae Variant Classification Sherloc (09022015). Collection method: clinical testing. Allele origin: germline.
Comment: This sequence change affects a donor splice site in intron 13 of the MRE11 gene. It is expected to disrupt RNA splicing. Variants that disrupt the donor or acceptor splice site typically lead to a loss of protein function (PMID: 16199547), and loss-of-function variants in MRE11 are known to be pathogenic (PMID: 23080121, 23912341). This variant is not present in population databases (gnomAD no frequency). This variant has not been reported in the literature in individuals affected with MRE11-related conditions. Algorithms developed to predict the effect of sequence changes on RNA splicing suggest that this variant may disrupt the consensus splice site. In summary, the currently available evidence indicates that the variant is pathogenic, but additional data are needed to prove that conclusively. Therefore, this variant has been classified as Likely Pathogenic.

Literature cited by the submitters: PubMed 16199547; PubMed 23080121; PubMed 23912341.